The following is an entry in ClinVar:

ClinVar aggregate classification (germline): Uncertain significance. Review status: criteria provided, multiple submitters, no conflicts (2 of 4 stars). 2 submissions from 2 submitters: Uncertain significance (2). Last evaluated 2026-09-11.

Conditions:
Dyskeratosis congenita, autosomal dominant 2. Identifiers: MedGen C3151443, MONDO:0013521, OMIM 613989.
Idiopathic Pulmonary Fibrosis. Also called: Idiopathic fibrosing alveolitis, chronic form; idiopathic fibrosing alveolitis. Identifiers: Orphanet 2032, MedGen C1800706, MeSH D054990, MONDO:0800504.
Dyskeratosis congenita. Identifiers: Orphanet 1775, MedGen C0265965, MONDO:0015780.

Submissions (2):

Ambry Genetics
Classification: Uncertain significance for Dyskeratosis congenita. Last evaluated: 2026-09-11. Review status: criteria provided, single submitter. Criteria: Ambry Variant Classification Scheme 2023. Collection method: clinical testing. Allele origin: germline.
Comment: The p.P297L variant (also known as c.890C>T), located in coding exon 2 of the TERT gene, results from a C to T substitution at nucleotide position 890. The proline at codon 297 is replaced by leucine, an amino acid with similar properties. This amino acid position is conserved. In addition, the in silico prediction for this alteration is inconclusive. Based on the available evidence, the clinical significance of this variant remains unclear.

Labcorp Genetics (formerly Invitae), Labcorp
Classification: Uncertain significance for Dyskeratosis congenita, autosomal dominant 2; Idiopathic Pulmonary Fibrosis. Last evaluated: 2022-09-29. Review status: criteria provided, single submitter. Criteria: Invitae Variant Classification Sherloc (09022015). Collection method: clinical testing. Allele origin: germline.
Comment: In summary, the available evidence is currently insufficient to determine the role of this variant in disease. Therefore, it has been classified as a Variant of Uncertain Significance. Advanced modeling of protein sequence and biophysical properties (such as structural, functional, and spatial information, amino acid conservation, physicochemical variation, residue mobility, and thermodynamic stability) has been performed at Invitae for this missense variant, however the output from this modeling did not meet the statistical confidence thresholds required to predict the impact of this variant on TERT protein function. ClinVar contains an entry for this variant (Variation ID: 1380805). This variant has not been reported in the literature in individuals affected with TERT-related conditions. This variant is not present in population databases (gnomAD no frequency). This sequence change replaces proline, which is neutral and non-polar, with leucine, which is neutral and non-polar, at codon 297 of the TERT protein (p.Pro297Leu).

NM_198253.3(TERT):c.890C>T (p.Pro297Leu)

Gene: TERT (telomerase reverse transcriptase; minus strand). Cytogenetic location: 5p15.33.
Variant type: single nucleotide variant.
Coding change: c.890C>T on transcript NM_198253.3 (MANE Select); coding-DNA position 890, C replaced by T.
Protein change: p.Pro297Leu; replaces proline 297 with leucine.
Molecular consequence: missense variant. On other transcripts: non-coding transcript variant (2).
Genome position (GRCh38, 1-based): chr5:1,293,996, G>A on the plus strand (C>T on the coding strand, the complement: TERT is on the minus strand). VCF-style: chr5-1293996-G-A. GRCh37 (hg19) VCF-style: chr5-1294111-G-A.
Other names: c.890C>T, p.Pro297Leu (NM_001193376.3); c.890C>T (NM_198253.2); short protein forms P297L.
Identifiers: ClinVar variation 1380805 (VCV001380805.7), dbSNP rs1212399654, ClinGen allele CA359056286.
Genomic context (GRCh38, chr5:1,293,996, plus strand): 5'-CAGGGACGTGGTGGCCGCGATGTGGATGGGGGGCCCGCGTGGTGCTGGCGGCCCACGGAT[G>A]GGTGGGAGTGGCGCGTGCCAGAGAGCGCACCCTCCAAAGAGGTGGCTTCTTCGGCGGGTC-3'
Protein context (NP_937983.2, residues 287-307): GALSGTRHSH[Pro297Leu]SVGRQHHAGP